The following is an entry in ClinVar:

ClinVar aggregate classification (germline): Uncertain significance (1 of 4 stars; one submission).

Conditions:
Hereditary cancer-predisposing syndrome. Also called: Neoplastic Syndromes, Hereditary; Tumor predisposition; Hereditary neoplastic syndrome; Hereditary Cancer Syndrome. Identifiers: Orphanet 140162, MedGen C0027672, MeSH D009386, MONDO:0015356.

Submission:

Ambry Genetics
Classification: Uncertain significance for Hereditary cancer-predisposing syndrome. Last evaluated: 2024-06-05. Review status: criteria provided, single submitter. Criteria: Ambry Variant Classification Scheme 2023. Collection method: clinical testing. Allele origin: germline.
Comment: The p.T215I variant (also known as c.644C>T), located in coding exon 5 of the TSC1 gene, results from a C to T substitution at nucleotide position 644. The threonine at codon 215 is replaced by isoleucine, an amino acid with similar properties. This amino acid position is conserved. In addition, this alteration is predicted to be deleterious by in silico analysis. Based on the available evidence, the clinical significance of this variant remains unclear.

NM_000368.5(TSC1):c.644C>T (p.Thr215Ile)

Gene: TSC1 (TSC complex subunit 1; minus strand). Cytogenetic location: 9q34.13.
Variant type: single nucleotide variant.
Coding change: c.644C>T on transcript NM_000368.5 (MANE Select); coding-DNA position 644, C replaced by T.
Protein change: p.Thr215Ile; replaces threonine 215 with isoleucine.
Molecular consequence: missense variant. On other transcripts: 5 prime UTR variant (5), non-coding transcript variant (5).
Genome position (GRCh38, 1-based): chr9:132,921,838, G>A on the plus strand (C>T on the coding strand, the complement: TSC1 is on the minus strand). VCF-style: chr9-132921838-G-A. GRCh37 (hg19) VCF-style: chr9-135797225-G-A.
Other names: c.644C>T, p.Thr215Ile (NM_001162426.2, NM_001406592.1, NM_001406593.1 and 16 more transcripts); c.491C>T, p.Thr164Ile (NM_001162427.2, NM_001406610.1, NM_001406611.1 and 2 more transcripts); c.281C>T, p.Thr94Ile (NM_001362177.2, NM_001406615.1, NM_001406616.1 and 10 more transcripts); c.-234C>T (NM_001406626.1, NM_001406627.1, NM_001406628.1); c.-376C>T (NM_001406629.1); c.-450C>T (NM_001406630.1); short protein forms T215I, T164I, T94I.
Identifiers: ClinVar variation 3329450 (VCV003329450.1).
Genomic context (GRCh38, chr9:132,921,838, plus strand): 5'-CAGTATACTAAGTAGCAAACAAACAAGCAGTTTCAATTTACCTTGACCACTTCTTCAAAA[G>A]TCTCCAGGTTTTCTTTCATACTGTAATGAGAACGCAAAAAGGAGACGAAGTTGCAAGGGT-3'
Protein context (NP_000359.1, residues 205-225): SHYSMKENLE[Thr215Ile]FEEVVKPMME